The following is an entry in ClinVar:

NM_213599.3(ANO5):c.424A>T (p.Thr142Ser)

Gene: ANO5 (anoctamin 5; plus strand). Cytogenetic location: 11p14.3.
Variant type: single nucleotide variant.
Coding change: c.424A>T on transcript NM_213599.3 (MANE Select); coding-DNA position 424, A replaced by T.
Protein change: p.Thr142Ser; replaces threonine 142 with serine.
Molecular consequence: missense variant.
Genome position (GRCh38, 1-based): chr11:22,227,362, A>T. VCF-style: chr11-22227362-A-T. GRCh37 (hg19) VCF-style: chr11-22248908-A-T.
Other names: c.421A>T, p.Thr141Ser (NM_001142649.2); short protein forms T142S, T141S.
Identifiers: ClinVar variation 289652 (VCV000289652.14), dbSNP rs757367942, ClinGen allele CA5922927.

ClinVar aggregate classification (germline): Uncertain significance. Review status: criteria provided, multiple submitters, no conflicts (2 of 4 stars). 3 submissions from 3 submitters: Uncertain significance (3). Last evaluated 2025-06-01.

Conditions:
Autosomal recessive limb-girdle muscular dystrophy type 2L (LGMDR12). Also called: Limb-girdle muscular dystrophy, type 2L; Limb-Girdle Muscular Dystrophy R12 Anoctamin-5-Related (LGMD-R12); MUSCULAR DYSTROPHY, LIMB-GIRDLE, AUTOSOMAL RECESSIVE 12. Identifiers: Orphanet 206549, MedGen C1969785, MONDO:0012652, OMIM 611307.
Gnathodiaphyseal dysplasia (GDD). Also called: GNATHODIAPHYSEAL SCLEROSIS; OSTEOGENESIS IMPERFECTA WITH UNUSUAL SKELETAL LESIONS. Identifiers: Orphanet 53697, MedGen C1833736, MONDO:0008151, OMIM 166260.
Miyoshi muscular dystrophy 3 (MMD3). Also called: Miyoshi Muscular Dystrophy 3 (MMD3); Miyoshi myopathy 3. Identifiers: Orphanet 399096, MedGen C2750076, MONDO:0013222, OMIM 613319.

Allele frequency attached by ClinVar (database versions not stated): gnomAD 0.00001; ExAC 0.00002; gnomAD exomes 0.00002 and 0.00003; TOPMed 0.00002.
gnomAD v4.1: 38 of 1,613,328 alleles (0.0024%); highest among the groups gnomAD compares: Non-Finnish European, 0.0031%; no homozygotes.

Submissions (3):

Labcorp Genetics (formerly Invitae), Labcorp
Classification: Uncertain significance for Autosomal recessive limb-girdle muscular dystrophy type 2L; Gnathodiaphyseal dysplasia. Last evaluated: 2025-06-01. Review status: criteria provided, single submitter. Criteria: Invitae Variant Classification Sherloc (09022015). Collection method: clinical testing. Allele origin: germline.
Comment: This sequence change replaces threonine, which is neutral and polar, with serine, which is neutral and polar, at codon 142 of the ANO5 protein (p.Thr142Ser). This variant is present in population databases (rs757367942, gnomAD 0.004%). This variant has not been reported in the literature in individuals affected with ANO5-related conditions. ClinVar contains an entry for this variant (Variation ID: 289652). Invitae Evidence Modeling of protein sequence and biophysical properties (such as structural, functional, and spatial information, amino acid conservation, physicochemical variation, residue mobility, and thermodynamic stability) has been performed for this missense variant. However, the output from this modeling did not meet the statistical confidence thresholds required to predict the impact of this variant on ANO5 protein function. In summary, the available evidence is currently insufficient to determine the role of this variant in disease. Therefore, it has been classified as a Variant of Uncertain Significance.

Fulgent Genetics
Classification: Uncertain significance for Gnathodiaphyseal dysplasia; Autosomal recessive limb-girdle muscular dystrophy type 2L; Miyoshi muscular dystrophy 3. Last evaluated: 2021-08-16. Review status: criteria provided, single submitter. Criteria: ACMG Guidelines, 2015. Collection method: clinical testing. Allele origin: unknown.

Eurofins Ntd Llc (ga)
Classification: Uncertain significance. Last evaluated: 2016-08-15. Review status: criteria provided, single submitter. Criteria: EGL Classification Definitions 2015. Collection method: clinical testing. Allele origin: germline. Observed: 1 variant allele, 1 heterozygote.